The following is an entry in ClinVar:

NM_000093.5(COL5A1):c.-247T>G

Gene: COL5A1 (collagen type V alpha 1 chain; plus strand). Cytogenetic location: 9q34.3.
Variant type: single nucleotide variant.
Coding change: c.-247T>G on transcript NM_000093.5 (MANE Select); 247 bases upstream of the start codon, T replaced by G.
Molecular consequence: 5 prime UTR variant.
Genome position (GRCh38, 1-based): chr9:134,641,941, T>G. VCF-style: chr9-134641941-T-G. GRCh37 (hg19) VCF-style: chr9-137533787-T-G.
Other names: c.-247T>G (NM_001278074.1).
Identifiers: ClinVar variation 365701 (VCV000365701.9), dbSNP rs71483234, ClinGen allele CA10629485.

ClinVar aggregate classification (germline): Benign. Review status: criteria provided, multiple submitters, no conflicts (2 of 4 stars). 5 submissions from 4 submitters: Benign (5). Last evaluated 2025-04-09.

Conditions:
Ehlers-Danlos syndrome, classic type, 1 (EDSCL1). Also called: EHLERS-DANLOS SYNDROME, GRAVIS TYPE; EHLERS-DANLOS SYNDROME, SEVERE CLASSIC TYPE; Ehlers-Danlos Syndrome, Classic Type, COL5A1-Related; EDS I; Ehlers-Danlos syndrome, type 1. Identifiers: MedGen C0268335, MONDO:0019567, OMIM 130000.
Fibromuscular dysplasia, multifocal. Identifiers: MedGen C5543412, MONDO:0859151, OMIM 619329.

Allele frequency attached by ClinVar (database versions not stated): gnomAD exomes 0.99614; gnomAD 0.99656 and 0.99670; 1000 Genomes Project 0.99940; TOPMed 0.99671; 1000 Genomes Project 30x 0.99891.
gnomAD v4.1: 387,234 of 388,654 alleles (100%); highest among the groups gnomAD compares: Middle Eastern, 100%; 192,911 homozygotes.

Submissions (5):

Molecular Diagnostic Laboratory for Inherited Cardiovascular Disease, Montreal Heart Institute
Classification: Benign. Last evaluated: 2025-04-09. Review status: criteria provided, single submitter. Criteria: ACMG Guidelines, 2015. Collection method: clinical testing. Allele origin: germline. Affected: no.

Genome-Nilou Lab
Classification: Benign for Ehlers-Danlos syndrome, classic type, 1. Last evaluated: 2022-03-15. Review status: criteria provided, single submitter. Criteria: ACMG Guidelines, 2015. Collection method: clinical testing. Allele origin: germline. Affected: no.

Genome-Nilou Lab
Classification: Benign for Fibromuscular dysplasia, multifocal. Last evaluated: 2022-03-15. Review status: criteria provided, single submitter. Criteria: ACMG Guidelines, 2015. Collection method: clinical testing. Allele origin: germline. Affected: no.

GeneDx
Classification: Benign. Last evaluated: 2018-06-14. Review status: criteria provided, single submitter. Criteria: GeneDx Variant Classification (06012015). Collection method: clinical testing. Allele origin: germline. Affected: yes.
Comment: This variant is considered likely benign or benign based on one or more of the following criteria: it is a conservative change, it occurs at a poorly conserved position in the protein, it is predicted to be benign by multiple in silico algorithms, and/or has population frequency not consistent with disease.

Breakthrough Genomics
Classification: Benign. Review status: criteria provided, single submitter. Criteria: ACMG Guidelines, 2015. Collection method: not provided. Allele origin: germline. Inheritance: Autosomal dominant inheritance. Affected: yes.